The following is an entry in ClinVar:

NM_001174147.2(LMX1B):c.*1389T>G

Gene: LMX1B (LIM homeobox transcription factor 1 beta; plus strand). Cytogenetic location: 9q33.3.
Variant type: single nucleotide variant.
Coding change: c.*1389T>G on transcript NM_001174147.2 (MANE Select); 1389 bases downstream of the stop codon, T replaced by G.
Molecular consequence: 3 prime UTR variant.
Genome position (GRCh38, 1-based): chr9:126,697,840, T>G. VCF-style: chr9-126697840-T-G. GRCh37 (hg19) VCF-style: chr9-129460119-T-G.
Other names: c.*1389T>G (NM_001174146.2, NM_002316.4).
Identifiers: ClinVar variation 364927 (VCV000364927.6), dbSNP rs13300385, ClinGen allele CA10632435.
Genomic context (GRCh38, chr9:126,697,840, plus strand): 5'-GCAAGTGACAGCTAAGCCACATCTGTTTTCTGTGTATATGCAGGATGGGGGCACCTACTG[T>G]TTTGTTTTGTTTTGTTTTGTTTTGTTTTGTTTTGTTTTGTTTTGTTTTGTTTGAGACGGA-3'

ClinVar aggregate classification (germline): Benign. Review status: criteria provided, multiple submitters, no conflicts (2 of 4 stars). 2 submissions from 2 submitters: Benign (2). Last evaluated 2018-01-12.

Conditions:
Nail-patella syndrome (NPS). Also called: FONG DISEASE; ONYCHOOSTEODYSPLASIA; TURNER-KIESER SYNDROME. Identifiers: Orphanet 2614, MedGen C0027341, MONDO:0008061, OMIM 161200.

Allele frequency attached by ClinVar (database versions not stated): 1000 Genomes Project 0.16414; gnomAD exomes 0.24763; gnomAD 0.28012 and 0.28610.
gnomAD v4.1: 14,620 of 51,152 alleles (29%); highest among the groups gnomAD compares: East Asian, 48%; 1,001 homozygotes.

Submissions (2):

Illumina Laboratory Services, Illumina
Classification: Benign for Nail-patella syndrome. Last evaluated: 2018-01-12. Review status: criteria provided, single submitter. Criteria: ICSL Variant Classification Criteria 13 December 2019. Collection method: clinical testing. Allele origin: germline.
Comment: This variant was observed in the ICSL laboratory as part of a predisposition screen in an ostensibly healthy population. It had not been previously curated by ICSL or reported in the Human Gene Mutation Database (HGMD: prior to June 1st, 2018), and was therefore a candidate for classification through an automated scoring system. Utilizing variant allele frequency, disease prevalence and penetrance estimates, and inheritance mode, an automated score was calculated to assess if this variant is too frequent to cause the disease. Based on the score and internal cut-off values, a variant classified as benign is not then subjected to further curation. The score for this variant resulted in a classification of benign for this disease.

Breakthrough Genomics
Classification: Benign. Review status: criteria provided, single submitter. Criteria: ACMG Guidelines, 2015. Collection method: not provided. Allele origin: germline. Inheritance: Autosomal dominant inheritance. Affected: yes.